The following is an entry in ClinVar:

ClinVar aggregate classification (germline): Uncertain significance (1 of 4 stars; one submission).

Conditions:
MGAT2-congenital disorder of glycosylation. Also called: MGAT2-CDG; Congenital disorder of glycosylation, type IIa; CDG IIa; MENTAL RETARDATION, GROWTH RETARDATION, PROMINENT COLUMELLA, AND OPEN MOUTH; Alkuraya syndrome. Identifiers: Orphanet 79329, MedGen C2931008, MONDO:0008908, OMIM 212066.

Submission:

MVZ Medizinische Genetik Mainz
Classification: Uncertain significance for MGAT2-congenital disorder of glycosylation. Last evaluated: 2023-11-02. Review status: criteria provided, single submitter. Criteria: UK Practice Guidelines For Variant Classification V4 01 2020. Collection method: clinical testing. Allele origin: germline. Inheritance: Autosomal recessive inheritance. Affected: yes. Observed: 1 variant allele.
Comment: PVS1_MOD,PM3,PM2_SUP

NM_002408.4(MGAT2):c.1234_1237del (p.Thr412fs)

Gene: MGAT2 (alpha-1,6-mannosyl-glycoprotein 2-beta-N-acetylglucosaminyltransferase; plus strand). Cytogenetic location: 14q21.3.
Variant type: Deletion.
Coding change: c.1234_1237del on transcript NM_002408.4 (MANE Select); coding-DNA positions 1234 to 1237, 4 bases deleted (ACTA; older notation c.1234_1237delACTA).
Protein change: p.Thr412fs; shifts the reading frame from threonine 412.
Molecular consequence: frameshift variant.
Genome position (GRCh38, 1-based): chr14:49,622,502-49,622,505, ACTA deleted; deleting any 4 consecutive bases within chr14:49,622,499-49,622,505 gives the same sequence; the c. name uses the placement nearest the transcript's 3' end. VCF-style (leftmost placement, unchanged base first): chr14-49622498-TCTAA-T. GRCh37 (hg19) VCF-style: chr14-50089216-TCTAA-T.
Other names: short protein forms T412fs.
Identifiers: ClinVar variation 3061865 (VCV003061865.1), dbSNP rs776720499, ClinGen allele CA7172650.